The following is an entry in ClinVar:

NM_004628.5(XPC):c.780-1G>A

Gene: XPC (XPC complex subunit, DNA damage recognition and repair factor; minus strand). Cytogenetic location: 3p25.1.
Variant type: single nucleotide variant.
Coding change: c.780-1G>A on transcript NM_004628.5 (MANE Select); the canonical splice acceptor site of the intron before coding-DNA position 780, G replaced by A.
Molecular consequence: splice acceptor variant.
Genome position (GRCh38, 1-based): chr3:14,164,934, C>T on the plus strand (G>A on the coding strand, the complement: XPC is on the minus strand). VCF-style: chr3-14164934-C-T. GRCh37 (hg19) VCF-style: chr3-14206434-C-T.
Other names: c.762-1G>A (NM_001354729.2); c.201-1G>A (NM_001354726.2); c.780-1G>A (NM_001354730.2, NM_001354727.2).
Identifiers: ClinVar variation 2096848 (VCV002096848.4), dbSNP rs2470278796, ClinGen allele CA351541886.

ClinVar aggregate classification (germline): Likely pathogenic (1 of 4 stars; one submission).

Allele frequency attached by ClinVar (database versions not stated): gnomAD exomes below 0.00001.
gnomAD v4.1: 1 of 1,605,956 alleles (0.000062%); highest among the groups gnomAD compares: Non-Finnish European, 0.000085%; no homozygotes.

Submission:

Labcorp Genetics (formerly Invitae), Labcorp
Classification: Likely pathogenic. Last evaluated: 2022-08-16. Review status: criteria provided, single submitter. Criteria: Invitae Variant Classification Sherloc (09022015). Collection method: clinical testing. Allele origin: germline.
Comment: This sequence change affects an acceptor splice site in intron 6 of the XPC gene. It is expected to disrupt RNA splicing. Variants that disrupt the donor or acceptor splice site typically lead to a loss of protein function (PMID: 16199547), and loss-of-function variants in XPC are known to be pathogenic (PMID: 23173980, 25256075). This variant is not present in population databases (gnomAD no frequency). This variant has not been reported in the literature in individuals affected with XPC-related conditions. Algorithms developed to predict the effect of sequence changes on RNA splicing suggest that this variant may disrupt the consensus splice site. In summary, the currently available evidence indicates that the variant is pathogenic, but additional data are needed to prove that conclusively. Therefore, this variant has been classified as Likely Pathogenic.

Literature cited by the submitters: PubMed 16199547; PubMed 23173980; PubMed 25256075.